The following is an entry in ClinVar:

ClinVar aggregate classification (germline): Uncertain significance. Review status: criteria provided, multiple submitters, no conflicts (2 of 4 stars). 2 submissions from 2 submitters: Uncertain significance (2). Last evaluated 2025-12-22.

Conditions:
Familial episodic pain syndrome with predominantly lower limb involvement. Also called: Episodic pain syndrome, familial, 3. Identifiers: Orphanet 391384, Orphanet 391392, MedGen C3809899, MONDO:0014247, OMIM 615552.
Hereditary sensory and autonomic neuropathy type 7. Also called: Neuropathy, hereditary sensory and autonomic, type VII; HSAN VII. Identifiers: Orphanet 391397, MedGen C3809882, MONDO:0014244, OMIM 615548.
Inborn genetic diseases. Identifiers: MedGen C0950123, MeSH D030342.

Submissions (2):

Ambry Genetics
Classification: Uncertain significance for Inborn genetic diseases. Last evaluated: 2025-12-22. Review status: criteria provided, single submitter. Criteria: Ambry Variant Classification Scheme 2023. Collection method: clinical testing. Allele origin: germline.

Labcorp Genetics (formerly Invitae), Labcorp
Classification: Uncertain significance for Familial episodic pain syndrome with predominantly lower limb involvement; Hereditary sensory and autonomic neuropathy type 7. Last evaluated: 2024-02-01. Review status: criteria provided, single submitter. Criteria: Invitae Variant Classification Sherloc (09022015). Collection method: clinical testing. Allele origin: germline.
Comment: This sequence change replaces proline, which is neutral and non-polar, with threonine, which is neutral and polar, at codon 220 of the SCN11A protein (p.Pro220Thr). This variant is not present in population databases (gnomAD no frequency). This variant has not been reported in the literature in individuals affected with SCN11A-related conditions. Advanced modeling of protein sequence and biophysical properties (such as structural, functional, and spatial information, amino acid conservation, physicochemical variation, residue mobility, and thermodynamic stability) performed at Invitae indicates that this missense variant is not expected to disrupt SCN11A protein function with a negative predictive value of 80%. In summary, the available evidence is currently insufficient to determine the role of this variant in disease. Therefore, it has been classified as a Variant of Uncertain Significance.

NM_001349253.2(SCN11A):c.658C>A (p.Pro220Thr)

Gene: SCN11A (sodium voltage-gated channel alpha subunit 11; minus strand). Cytogenetic location: 3p22.2.
Variant type: single nucleotide variant.
Coding change: c.658C>A on transcript NM_001349253.2 (MANE Select); coding-DNA position 658, C replaced by A.
Protein change: p.Pro220Thr; replaces proline 220 with threonine.
Molecular consequence: missense variant.
Genome position (GRCh38, 1-based): chr3:38,925,469, G>T on the plus strand (C>A on the coding strand, the complement: SCN11A is on the minus strand). VCF-style: chr3-38925469-G-T. GRCh37 (hg19) VCF-style: chr3-38966960-G-T.
Other names: c.658C>A (NM_014139.2); c.658C>A, p.Pro220Thr (NM_014139.3); short protein forms P220T.
Identifiers: ClinVar variation 3761993 (VCV003761993.3).